The following is an entry in ClinVar:

NM_017654.4(SAMD9):c.3332T>A (p.Ile1111Asn)

Gene: SAMD9 (sterile alpha motif domain containing 9; minus strand). Cytogenetic location: 7q21.2.
Variant type: single nucleotide variant.
Coding change: c.3332T>A on transcript NM_017654.4 (MANE Select); coding-DNA position 3332, T replaced by A.
Protein change: p.Ile1111Asn; replaces isoleucine 1111 with asparagine.
Molecular consequence: missense variant.
Genome position (GRCh38, 1-based): chr7:93,102,766, A>T on the plus strand (T>A on the coding strand, the complement: SAMD9 is on the minus strand). VCF-style: chr7-93102766-A-T. GRCh37 (hg19) VCF-style: chr7-92732079-A-T.
Other names: c.3332T>A, p.Ile1111Asn (NM_001193307.2); short protein forms I1111N.
Identifiers: ClinVar variation 2745507 (VCV002745507.3), dbSNP rs2535356029, ClinGen allele CA368185828.

ClinVar aggregate classification (germline): Uncertain significance (1 of 4 stars; one submission).

Submission:

Labcorp Genetics (formerly Invitae), Labcorp
Classification: Uncertain significance. Last evaluated: 2023-07-20. Review status: criteria provided, single submitter. Criteria: Invitae Variant Classification Sherloc (09022015). Collection method: clinical testing. Allele origin: germline.
Comment: This variant has not been reported in the literature in individuals affected with SAMD9-related conditions. This sequence change replaces isoleucine, which is neutral and non-polar, with asparagine, which is neutral and polar, at codon 1111 of the SAMD9 protein (p.Ile1111Asn). This variant is not present in population databases (gnomAD no frequency). Advanced modeling of protein sequence and biophysical properties (such as structural, functional, and spatial information, amino acid conservation, physicochemical variation, residue mobility, and thermodynamic stability) performed at Invitae indicates that this missense variant is not expected to disrupt SAMD9 protein function. In summary, the available evidence is currently insufficient to determine the role of this variant in disease. Therefore, it has been classified as a Variant of Uncertain Significance.